The following is an entry in ClinVar:

NM_001401501.2(MUC16):c.41112-5_41112-4insCTTT

Gene: MUC16 (mucin 16, cell surface associated; minus strand). Cytogenetic location: 19p13.2.
Variant type: Insertion.
Coding change: c.41112-5_41112-4insCTTT on transcript NM_001401501.2 (MANE Select); 5 bases into the intron before coding-DNA position 41112 through 4 bases into the intron before coding-DNA position 41112, CTTT inserted.
Molecular consequence: intron variant.
Genome position: GRCh38 VCF-style: chr19-8886864-T-TAAAG. GRCh37 (hg19) VCF-style: chr19-8997540-T-TAAAG.
Other names: c.41538-5_41538-4insCTTT (NM_001414686.1); c.40992-5_40992-4insCTTT (NM_001414687.1); c.40886-5_40886-4insCTTT (NM_024690.2).
Identifiers: ClinVar variation 3350518 (VCV003350518.1).

ClinVar aggregate classification (germline): Likely benign (0 of 4 stars; one submission).

Conditions:
MUC16-related disorder. Also called: MUC16-related condition.

Submission:

PreventionGenetics, part of Exact Sciences
Classification: Likely benign for MUC16-related condition. Last evaluated: 2024-08-12. Review status: no assertion criteria provided. Collection method: clinical testing. Allele origin: germline.
Comment: This variant is classified as likely benign based on ACMG/AMP sequence variant interpretation guidelines (Richards et al. 2015 PMID: 25741868, with internal and published modifications).